The following is an entry in ClinVar:

ClinVar aggregate classification (germline): Conflicting classifications of pathogenicity. Review status: criteria provided, conflicting classifications (1 of 4 stars). 11 submissions from 8 submitters: Uncertain significance (10); Likely benign (1). Last evaluated 2026-01-30.

Conditions:
Congenital myopathy 18. Also called: DIHYDROPYRIDINE RECEPTOR CONGENITAL MYOPATHY; DHPR CONGENITAL MYOPATHY; Myopathy, congenital, due to dihydropyridine receptor defect. Identifiers: MedGen C5830283, MONDO:0859514, OMIM 620246.
Hypokalemic periodic paralysis, type 1. Also called: Hypokalemic Periodic Paralysis Type 1 (AD); HypoPP. Identifiers: Orphanet 681, MedGen C3714580, MONDO:0042979, OMIM 170400.
Malignant hyperthermia, susceptibility to, 5 (MHS5). Also called: CACNA1S-Related Malignant Hyperthermia Susceptibility. Identifiers: Orphanet 423, MedGen C1866077, MONDO:0011163, OMIM 601887.
Thyrotoxic periodic paralysis, susceptibility to, 1 (TTPP1). Identifiers: Orphanet 79102, MedGen C2749982, MONDO:0008570, OMIM 188580.

Allele frequency attached by ClinVar (database versions not stated): ExAC 0.00001; gnomAD 0.00002; gnomAD exomes 0.00002; TOPMed 0.00002.
gnomAD v4.1: 28 of 1,614,034 alleles (0.0017%); highest among the groups gnomAD compares: South Asian, 0.0055%; no homozygotes.

Submissions (11):

GeneDx
Classification: Uncertain significance. Last evaluated: 2026-01-30. Review status: criteria provided, single submitter. Criteria: GeneDx Variant Classification Process June 2021. Collection method: clinical testing. Allele origin: germline. Affected: yes.
Comment: In silico analysis suggests that this missense variant does not alter protein structure/function; Has not been previously published as pathogenic or benign to our knowledge

Labcorp Genetics (formerly Invitae), Labcorp
Classification: Likely benign for Hypokalemic periodic paralysis, type 1; Malignant hyperthermia, susceptibility to, 5. Last evaluated: 2025-10-14. Review status: criteria provided, single submitter. Criteria: Invitae Variant Classification Sherloc (09022015). Collection method: clinical testing. Allele origin: germline.

Color Diagnostics, LLC DBA Color Health
Classification: Uncertain significance for Malignant hyperthermia, susceptibility to, 5. Last evaluated: 2024-03-06. Review status: criteria provided, single submitter. Criteria: ACMG Guidelines, 2015. Collection method: clinical testing. Allele origin: germline.
Comment: This missense variant replaces arginine with glutamine at codon 253 of the CACNA1S protein. Computational prediction suggests that this variant may not impact protein structure and function. To our knowledge, functional studies have not been reported for this variant. This variant has not been reported in individuals affected with CACNA1S-related disorders in the literature. This variant has been identified in 8/282312 chromosomes in the general population by the Genome Aggregation Database (gnomAD). The available evidence is insufficient to determine the role of this variant in disease conclusively. Therefore, this variant is classified as a Variant of Uncertain Significance.

Fulgent Genetics
Classification: Uncertain significance for Hypokalemic periodic paralysis, type 1; Thyrotoxic periodic paralysis, susceptibility to, 1; Malignant hyperthermia, susceptibility to, 5; Congenital myopathy 18. Last evaluated: 2023-12-21. Review status: criteria provided, single submitter. Criteria: ACMG Guidelines, 2015. Collection method: clinical testing. Allele origin: germline.

All of Us Research Program, National Institutes of Health
Classification: Uncertain significance for Malignant hyperthermia, susceptibility to, 5. Last evaluated: 2023-06-26. Review status: criteria provided, single submitter. Criteria: ACMG Guidelines, 2015. Collection method: clinical testing. Allele origin: germline. Inheritance: Autosomal dominant inheritance. Observed: 4 variant alleles, 4 heterozygotes.
Comment: This missense variant replaces arginine with glutamine at codon 253 of the CACNA1S protein. Computational prediction suggests that this variant may not impact protein structure and function (internally defined REVEL score threshold <= 0.5, PMID: 27666373). To our knowledge, functional studies have not been reported for this variant. This variant has not been reported in individuals affected with CACNA1S-related disorders in the literature. This variant has been identified in 8/282312 chromosomes in the general population by the Genome Aggregation Database (gnomAD). The available evidence is insufficient to determine the role of this variant in disease conclusively. Therefore, this variant is classified as a Variant of Uncertain Significance.

This study involves interpretation of variants in research participants for the purpose of population health screening. Participant phenotype was not available at the time of variant classification. Additional details can be found in publication PMID: 35346344, PMCID: PMC8962531

Genome-Nilou Lab
Classification: Uncertain significance for Malignant hyperthermia, susceptibility to, 5. Last evaluated: 2023-04-11. Review status: criteria provided, single submitter. Criteria: ACMG Guidelines, 2015. Collection method: clinical testing. Allele origin: germline. Affected: no.

Genome-Nilou Lab
Classification: Uncertain significance for Thyrotoxic periodic paralysis, susceptibility to, 1. Last evaluated: 2023-04-11. Review status: criteria provided, single submitter. Criteria: ACMG Guidelines, 2015. Collection method: clinical testing. Allele origin: germline. Affected: no.

Genome-Nilou Lab
Classification: Uncertain significance for Congenital myopathy 18. Last evaluated: 2023-04-11. Review status: criteria provided, single submitter. Criteria: ACMG Guidelines, 2015. Collection method: clinical testing. Allele origin: germline. Affected: no.

Genome-Nilou Lab
Classification: Uncertain significance for Hypokalemic periodic paralysis, type 1. Last evaluated: 2023-04-11. Review status: criteria provided, single submitter. Criteria: ACMG Guidelines, 2015. Collection method: clinical testing. Allele origin: germline. Affected: no.

Athena Diagnostics
Classification: Uncertain significance. Last evaluated: 2019-11-01. Review status: criteria provided, single submitter. Criteria: Athena Diagnostics Criteria. Collection method: clinical testing. Allele origin: unknown.

CeGaT Center for Human Genetics Tuebingen
Classification: Uncertain significance. Last evaluated: 2019-06-01. Review status: criteria provided, single submitter. Criteria: CeGaT Center For Human Genetics Tuebingen Variant Classification Criteria Version 2. Collection method: clinical testing. Allele origin: germline. Affected: yes. Observed: 1 variant allele.

NM_000069.3(CACNA1S):c.758G>A (p.Arg253Gln)

Gene: CACNA1S (calcium voltage-gated channel subunit alpha1 S; minus strand). Cytogenetic location: 1q32.1.
Variant type: single nucleotide variant.
Coding change: c.758G>A on transcript NM_000069.3 (MANE Select); coding-DNA position 758, G replaced by A.
Protein change: p.Arg253Gln; replaces arginine 253 with glutamine.
Molecular consequence: missense variant.
Genome position (GRCh38, 1-based): chr1:201,089,400, C>T on the plus strand (G>A on the coding strand, the complement: CACNA1S is on the minus strand). VCF-style: chr1-201089400-C-T. GRCh37 (hg19) VCF-style: chr1-201058528-C-T.
Other names: short protein forms R253Q.
Identifiers: ClinVar variation 807894 (VCV000807894.50), dbSNP rs768015104, ClinGen allele CA083991.